The following is an entry in ClinVar:

NM_001005242.3(PKP2):c.2446G>T (p.Ala816Ser)

Gene: PKP2 (plakophilin 2; minus strand). Cytogenetic location: 12p11.21.
Variant type: single nucleotide variant.
Coding change: c.2446G>T on transcript NM_001005242.3 (MANE Select); coding-DNA position 2446, G replaced by T.
Protein change: p.Ala816Ser; replaces alanine 816 with serine.
Molecular consequence: missense variant.
Genome position (GRCh38, 1-based): chr12:32,792,492, C>A on the plus strand (G>T on the coding strand, the complement: PKP2 is on the minus strand). VCF-style: chr12-32792492-C-A. GRCh37 (hg19) VCF-style: chr12-32945426-C-A.
Other names: c.2578G>T, p.Ala860Ser (NM_004572.4); short protein forms A816S, A860S.
Identifiers: ClinVar variation 928263 (VCV000928263.3), dbSNP rs1956078237, ClinGen allele CA384356815.

ClinVar aggregate classification (germline): Uncertain significance (1 of 4 stars; one submission).

Conditions:
Cardiomyopathy (CMYO). Also called: Cardiomyopathies. Identifiers: Orphanet 167848, MedGen C0878544, MONDO:0004994, HP:0001638. Inheritance: Various modes of inheritance.

Allele frequency attached by ClinVar (database versions not stated): gnomAD exomes below 0.00001.

Submission:

Color Diagnostics, LLC DBA Color Health
Classification: Uncertain significance for Cardiomyopathy. Last evaluated: 2019-09-17. Review status: criteria provided, single submitter. Criteria: ACMG Guidelines, 2015. Collection method: clinical testing. Allele origin: germline.
Comment: This missense variant replaces alanine with serine at codon 860 of the PKP2 protein. Computational prediction tool suggests that this variant may not impact protein structure and function (internally defined REVEL score threshold ≤0.5, PMID: 27666373). Splice site prediction tools suggest that this variant may not impact RNA splicing. To our knowledge, functional studies have not been performed for this variant. This variant has not been reported in individuals affected with cardiovascular disorders in the literature. This variant has not been identified in the general population by the Genome Aggregation Database (gnomAD). The available evidence is insufficient to determine the role of this variant in disease conclusively. Therefore, this variant is classified as a Variant of Uncertain Significance.